The following is an entry in ClinVar:

ClinVar aggregate classification (germline): Pathogenic (1 of 4 stars; one submission).

Conditions:
Tuberous sclerosis 1 (TSC1). Identifiers: Orphanet 805, MedGen C1854465, MONDO:0008612, OMIM 191100.

Submission:

Labcorp Genetics (formerly Invitae), Labcorp
Classification: Pathogenic for Tuberous sclerosis 1. Last evaluated: 2017-07-19. Review status: criteria provided, single submitter. Criteria: Invitae Variant Classification Sherloc (09022015). Collection method: clinical testing. Allele origin: germline.
Comment: For these reasons, this variant has been classified as Pathogenic. Loss-of-function variants in TSC1 are known to be pathogenic (PMID: 10227394, 17304050). This variant has not been reported in the literature in individuals with TSC1-related disease. This variant is not present in population databases (ExAC no frequency). This sequence change creates a premature translational stop signal (p.Glu744Glyfs*8) in the TSC1 gene. It is expected to result in an absent or disrupted protein product.

Literature cited by the submitters: PubMed 10227394; PubMed 17304050.

NM_000368.5(TSC1):c.2231_2235del (p.Glu744fs)

Gene: TSC1 (TSC complex subunit 1; minus strand). Cytogenetic location: 9q34.13.
Variant type: Deletion.
Coding change: c.2231_2235del on transcript NM_000368.5 (MANE Select); coding-DNA positions 2231 to 2235, 5 bases deleted (AGAAG; older notation c.2231_2235delAGAAG).
Protein change: p.Glu744fs; shifts the reading frame from glutamic acid 744.
Molecular consequence: frameshift variant.
Genome position (GRCh38, 1-based): chr9:132,902,761-132,902,765, CTTCT deleted on the plus strand (AGAAG on the coding strand, the reverse complement: TSC1 is on the minus strand); deleting any 5 consecutive bases within chr9:132,902,761-132,902,768 gives the same sequence; the c. name uses the placement nearest the transcript's 3' end. VCF-style (leftmost placement, unchanged base first): chr9-132902760-CCTTCT-C. GRCh37 (hg19) VCF-style: chr9-135778147-CCTTCT-C.
Other names: c.2231_2235delAGAAG (NM_000368.4); c.2228_2232del, p.Glu743fs (NM_001162426.2); c.2078_2082del, p.Glu693fs (NM_001162427.2); c.1868_1872del, p.Glu623fs (NM_001362177.2); short protein forms E744fs, E693fs, E743fs, E623fs.
Identifiers: ClinVar variation 466069 (VCV000466069.6), dbSNP rs1554815049, ClinGen allele CA658656066.